The following is an entry in ClinVar:

ClinVar aggregate classification (germline): Uncertain significance (1 of 4 stars; one submission).

Submission:

Labcorp Genetics (formerly Invitae), Labcorp
Classification: Uncertain significance. Last evaluated: 2024-07-03. Review status: criteria provided, single submitter. Criteria: Invitae Variant Classification Sherloc (09022015). Collection method: clinical testing. Allele origin: germline.
Comment: This sequence change replaces proline, which is neutral and non-polar, with glutamine, which is neutral and polar, at codon 279 of the ALPK3 protein (p.Pro279Gln). This variant is not present in population databases (gnomAD no frequency). This variant has not been reported in the literature in individuals affected with ALPK3-related conditions. An algorithm developed to predict the effect of missense changes on protein structure and function (PolyPhen-2) suggests that this variant is likely to be disruptive. In summary, the available evidence is currently insufficient to determine the role of this variant in disease. Therefore, it has been classified as a Variant of Uncertain Significance.

NM_020778.5(ALPK3):c.230C>A (p.Pro77Gln)

Gene: ALPK3 (alpha kinase 3; plus strand). Cytogenetic location: 15q25.3.
Variant type: single nucleotide variant.
Coding change: c.230C>A on transcript NM_020778.5 (MANE Select); coding-DNA position 230, C replaced by A.
Protein change: p.Pro77Gln; replaces proline 77 with glutamine.
Molecular consequence: missense variant.
Genome position (GRCh38, 1-based): chr15:84,827,531, C>A. VCF-style: chr15-84827531-C-A. GRCh37 (hg19) VCF-style: chr15-85370762-C-A.
Other names: short protein forms P77Q.
Identifiers: ClinVar variation 3646812 (VCV003646812.2).